The following is an entry in ClinVar:

ClinVar aggregate classification (germline): Uncertain significance (1 of 4 stars; one submission).

Conditions:
Cardiovascular phenotype. Identifiers: MedGen CN230736.

gnomAD v4.1: 15 of 1,547,316 alleles (0.00097%); highest among the groups gnomAD compares: Non-Finnish European, 0.0012%; no homozygotes.

Submission:

Ambry Genetics
Classification: Uncertain significance for Cardiovascular phenotype. Last evaluated: 2026-03-21. Review status: criteria provided, single submitter. Criteria: Ambry Variant Classification Scheme 2023. Collection method: clinical testing. Allele origin: germline.
Comment: The p.A2968G variant (also known as c.8903C>G), located in coding exon 2 of the ZNF469 gene, results from a C to G substitution at nucleotide position 8903. The alanine at codon 2968 is replaced by glycine, an amino acid with similar properties. This amino acid position is conserved. In addition, this alteration is predicted to be tolerated by in silico analysis. Based on the available evidence, the clinical significance of this variant remains unclear.

NM_001367624.2(ZNF469):c.8987C>G (p.Ala2996Gly)

Gene: ZNF469 (zinc finger protein 469; plus strand). Cytogenetic location: 16q24.2.
Variant type: single nucleotide variant.
Coding change: c.8987C>G on transcript NM_001367624.2 (MANE Select); coding-DNA position 8987, C replaced by G.
Protein change: p.Ala2996Gly; replaces alanine 2996 with glycine.
Molecular consequence: missense variant.
Genome position (GRCh38, 1-based): chr16:88,436,457, C>G. VCF-style: chr16-88436457-C-G. GRCh37 (hg19) VCF-style: chr16-88502865-C-G.
Other names: NM_001127464.1:c.8903C>G; short protein forms A2996G.
Identifiers: ClinVar variation 4866967 (VCV004866967.1).
Genomic context (GRCh38, chr16:88,436,457, plus strand): 5'-CCCACTGCCCCGAGGACGATCGGCCGGAGGCCATTCCTGAGCTGCACATGGTCCCAGCGG[C>G]TTGGCGAGGCCTGGAGATGCCGGCCCCTGCCGATGACTCCTCCTCTTCTCTCGGAGATGT-3'
Protein context (NP_001354553.1, residues 2986-3006): AIPELHMVPA[Ala2996Gly]WRGLEMPAPA